The following is an entry in ClinVar:

NM_005609.4(PYGM):c.1969+266_1969+267insAC

Gene: PYGM (glycogen phosphorylase, muscle associated; minus strand). Cytogenetic location: 11q13.1.
Variant type: Insertion.
Coding change: c.1969+266_1969+267insAC on transcript NM_005609.4 (MANE Select); bases 266 to 267 of the intron after coding-DNA position 1969, AC inserted.
Molecular consequence: intron variant.
Genome position: GRCh38 VCF-style: chr11-64751058-A-ATG. GRCh37 (hg19) VCF-style: chr11-64518530-A-ATG.
Other names: c.1705+266_1705+267insAC (NM_001164716.1).
Identifiers: ClinVar variation 680733 (VCV000680733.1), dbSNP rs58190568, ClinGen allele CA223898092.

ClinVar aggregate classification (germline): Benign (1 of 4 stars; one submission).

Submission:

GeneDx
Classification: Benign. Last evaluated: 2018-06-18. Review status: criteria provided, single submitter. Criteria: GeneDx Variant Classification (06012015). Collection method: clinical testing. Allele origin: germline. Affected: yes.
Comment: This variant is considered likely benign or benign based on one or more of the following criteria: it is a conservative change, it occurs at a poorly conserved position in the protein, it is predicted to be benign by multiple in silico algorithms, and/or has population frequency not consistent with disease.